The following is an entry in ClinVar:

NM_001020658.2(PUM1):c.92A>T (p.Asn31Ile)

Gene: PUM1 (pumilio RNA binding family member 1; minus strand). Cytogenetic location: 1p35.2.
Variant type: single nucleotide variant.
Coding change: c.92A>T on transcript NM_001020658.2 (MANE Select); coding-DNA position 92, A replaced by T.
Protein change: p.Asn31Ile; replaces asparagine 31 with isoleucine.
Molecular consequence: missense variant.
Genome position (GRCh38, 1-based): chr1:31,059,475, T>A on the plus strand (A>T on the coding strand, the complement: PUM1 is on the minus strand). VCF-style: chr1-31059475-T-A. GRCh37 (hg19) VCF-style: chr1-31532322-T-A.
Other names: c.92A>T, p.Asn31Ile (NM_014676.3); short protein forms N31I.
Identifiers: ClinVar variation 5037430 (VCV005037430.1).
Genomic context (GRCh38, chr1:31,059,475, plus strand): 5'-GCTGGTTGTGGCTGCGCTTGCGACCCTGTTCCAGATGTCAAAACAACAGGCATGTTGGGA[T>A]TAGCTGGTTCTTGAGGGTGATGTTTCAGGTGGGGGCTGAAAGAGTCCTGCCAAAGCACTG-3'
Protein context (NP_001018494.1, residues 21-41): HLKHHPQEPA[Asn31Ile]PNMPVVLTSG

ClinVar aggregate classification (germline): Uncertain significance (1 of 4 stars; one submission).

Submission:

GeneDx
Classification: Uncertain significance. Last evaluated: 2026-04-25. Review status: criteria provided, single submitter. Criteria: GeneDx Variant Classification Process June 2021. Collection method: clinical testing. Allele origin: germline.
Comment: Not observed at significant frequency in large population cohorts (gnomAD); In silico analysis supports that this missense variant has a deleterious effect on protein structure/function; Has not been previously published as pathogenic or benign to our knowledge